The following is an entry in ClinVar:

NM_004484.4(GPC3):c.1248G>T (p.Ala416=)

Gene: GPC3 (glypican 3; minus strand). Cytogenetic location: Xq26.2.
Variant type: single nucleotide variant.
Coding change: c.1248G>T on transcript NM_004484.4 (MANE Select); coding-DNA position 1248, G replaced by T.
Protein change: p.Ala416=; no amino-acid change (alanine 416 retained).
Molecular consequence: synonymous variant.
Genome position (GRCh38, 1-based): chrX:133,692,413, C>A on the plus strand (G>T on the coding strand, the complement: GPC3 is on the minus strand). VCF-style: chrX-133692413-C-A. GRCh37 (hg19) VCF-style: chrX-132826441-C-A.
Other names: c.1317G>T, p.Ala439= (NM_001164617.2); c.1200G>T, p.Ala400= (NM_001164618.2); c.1086G>T, p.Ala362= (NM_001164619.2).
Identifiers: ClinVar variation 4985955 (VCV004985955.1).

ClinVar aggregate classification (germline): Likely benign (1 of 4 stars; one submission).

Conditions:
GPC3-related disorder. Also called: GPC3-related condition.

Submission:

PreventionGenetics, part of Exact Sciences
Classification: Likely benign for GPC3-related condition. Last evaluated: 2024-12-12. Review status: criteria provided, single submitter. Criteria: ACMG Guidelines, 2015. Collection method: clinical testing. Allele origin: germline.
Comment: This variant is classified as likely benign based on ACMG/AMP sequence variant interpretation guidelines (Richards et al. 2015 PMID: 25741868, with internal and published modifications).